The following is an entry in ClinVar:

ClinVar aggregate classification (germline): Uncertain significance (1 of 4 stars; one submission).

Conditions:
Charcot-Marie-Tooth disease axonal type 2O. Also called: CHARCOT-MARIE-TOOTH NEUROPATHY, AXONAL, TYPE 2O; CHARCOT-MARIE-TOOTH DISEASE, AXONAL, AUTOSOMAL DOMINANT, TYPE 2O; Charcot-Marie-Tooth Neuropathy Type 2O; Charcot-Marie-Tooth disease, axonal, type 20. Identifiers: Orphanet 284232, MedGen C3280220, MONDO:0013644, OMIM 614228.

Submission:

Labcorp Genetics (formerly Invitae), Labcorp
Classification: Uncertain significance for Charcot-Marie-Tooth disease axonal type 2O. Last evaluated: 2023-07-30. Review status: criteria provided, single submitter. Criteria: Invitae Variant Classification Sherloc (09022015). Collection method: clinical testing. Allele origin: germline.
Comment: In summary, the available evidence is currently insufficient to determine the role of this variant in disease. Therefore, it has been classified as a Variant of Uncertain Significance. Advanced modeling of protein sequence and biophysical properties (such as structural, functional, and spatial information, amino acid conservation, physicochemical variation, residue mobility, and thermodynamic stability) performed at Invitae indicates that this missense variant is not expected to disrupt DYNC1H1 protein function. This variant has not been reported in the literature in individuals affected with DYNC1H1-related conditions. This variant is not present in population databases (gnomAD no frequency). This sequence change replaces lysine, which is basic and polar, with asparagine, which is neutral and polar, at codon 1865 of the DYNC1H1 protein (p.Lys1865Asn).

NM_001376.5(DYNC1H1):c.5595A>T (p.Lys1865Asn)

Gene: DYNC1H1 (dynein cytoplasmic 1 heavy chain 1; plus strand). Cytogenetic location: 14q32.31.
Variant type: single nucleotide variant.
Coding change: c.5595A>T on transcript NM_001376.5 (MANE Select); coding-DNA position 5595, A replaced by T.
Protein change: p.Lys1865Asn; replaces lysine 1865 with asparagine.
Molecular consequence: missense variant.
Genome position (GRCh38, 1-based): chr14:102,006,049, A>T. VCF-style: chr14-102006049-A-T. GRCh37 (hg19) VCF-style: chr14-102472386-A-T.
Other names: short protein forms K1865N.
Identifiers: ClinVar variation 2807404 (VCV002807404.3), dbSNP rs2503741995, ClinGen allele CA391048726.
Genomic context (GRCh38, chr14:102,006,049, plus strand): 5'-CTTTGACCCTAAGCAAACTGATGTGTTACAGCAGTTGTCAATTCAAATGGCAAATGCCAA[A>T]TTTAACTATGGCTTTGAGTACCTGGGTGTTCAGGACAAACTGGTCCAGACCCCCCTCACT-3'
Protein context (NP_001367.2, residues 1855-1875): QQLSIQMANA[Lys1865Asn]FNYGFEYLGV